The following is an entry in ClinVar:

ClinVar aggregate classification (germline): Uncertain significance. Review status: reviewed by expert panel (3 of 4 stars). 2 submissions from 2 submitters: Uncertain significance (1). 1 of the submissions does not count toward it. Last evaluated 2026-01-05.

Conditions:
Mucopolysaccharidosis type 1. Also called: IDUA deficiency; MPS I; Mucopolysaccharidosis Type I. Identifiers: Orphanet 579, MedGen C0023786, MONDO:0001586.

Submissions (2):

ClinGen Lysosomal Storage Disorder Variant Curation Expert Panel
Classification: Uncertain significance for Mucopolysaccharidosis type 1. Last evaluated: 2026-01-05. Review status: reviewed by expert panel. Criteria: ClinGen LSD ACMG Specifications IDUA V1.2.0. Collection method: curation. Allele origin: germline. Inheritance: Autosomal recessive inheritance.
Comment: The NM_000203.5:c.1262T>C variant in IDUA is a missense variant predicted to cause substitution of Leucine by Proline at amino acid 421 (p.Leu421Pro). The second variant included c.1898C>T (p.Ser633Leu), phase unconfirmed, ClinVarID: 556406, 0.5 points (PM3_Supporting). The highest population minor allele frequency in gnomAD v4.1.0 is 0.00006 (2/33464 alleles) in the East Asian population, which is lower than the ClinGen Lysosomal Diseases VCEP’s threshold for PM2_Supporting (<0.00025), meeting this criterion (PM2_Supporting). The computational predictor REVEL gives a score of 0.943 which is above the threshold of 0.773, evidence that correlates with impact to IDUA function at the moderate level based on the specifications of the ClinGen Lysosomal Diseases VCEP (PMID: 36413997) (PP3_Moderate). In summary, this variant meets the criteria to be classified as a variant of uncertain significance (VUS) for MPS I based on the IDUA-specific ACMG/AMP criteria applied, as specified by the ClinGen Lysosomal Diseases Variant Curation Expert Panel (Specifications Version 1.2.0): PM3_supporting; PM2_supporting; PP3_moderate (Classification approved by the ClinGen Lysosomal Diseases Variant Curation Expert Panel on January 5, 2026)

Women's Health and Genetics/Laboratory Corporation of America, LabCorp
Classification: Uncertain significance. Last evaluated: 2025-08-27. Review status: criteria provided, single submitter. Criteria: LabCorp Variant Classification Summary - May 2015. Collection method: clinical testing. Allele origin: germline. Not counted in ClinVar's aggregate classification.
Comment: Variant summary: IDUA c.1262T>C (p.Leu421Pro) results in a non-conservative amino acid change in the encoded protein sequence. Algorithms developed to predict the effect of missense changes on protein structure and function all suggest that this variant is likely to be disruptive. The variant was absent in 75230 control chromosomes. The available data on variant occurrences in the general population are insufficient to allow any conclusion about variant significance. c.1262T>C has been observed as a compound heterozygous genotype in at least one individual affected with Mucopolysaccharidosis Type 1 (e.g., Wang_2012). These data do not allow any conclusion about variant significance. To our knowledge, no variant specific experimental evidence demonstrating an impact on protein function has been reported although the individual with a compound heterozygous genotype showed less than 10% of normal leukocyte IDUA enzyme activity (Wang_2012). The following publication has been ascertained in the context of this evaluation (PMID: 21480867). ClinVar contains an entry for this variant (Variation ID: 1328979). Based on the evidence outlined above, the variant was classified as uncertain significance.

Literature cited by the submitters: PubMed 21480867 (cited by Women's Health and Genetics/Laboratory Corporation of America, LabCorp).

NM_000203.5(IDUA):c.1262T>C (p.Leu421Pro)

Gene: IDUA (alpha-L-iduronidase; plus strand). Cytogenetic location: 4p16.3.
Variant type: single nucleotide variant.
Coding change: c.1262T>C on transcript NM_000203.5 (MANE Select); coding-DNA position 1262, T replaced by C.
Protein change: p.Leu421Pro; replaces leucine 421 with proline.
Molecular consequence: missense variant. On other transcripts: non-coding transcript variant (1).
Genome position (GRCh38, 1-based): chr4:1,002,804, T>C. VCF-style: chr4-1002804-T-C. GRCh37 (hg19) VCF-style: chr4-996592-T-C.
Other names: NM_000203.5(IDUA):c.1262T>C; p.Leu421Pro; c.866T>C, p.Leu289Pro (NM_001363576.1); short protein forms L289P, L421P.
Identifiers: ClinVar variation 1328979 (VCV001328979.2), dbSNP rs2153022602, ClinGen allele CA355963724.
Genomic context (GRCh38, chr4:1,002,804, plus strand): 5'-TCTGGGCCGAAGTGTCGCAGGCCGGGACCGTCCTGGACAGCAACCACACGGTGGGCGTCC[T>C]GGCCAGCGCCCACCGCCCCCAGGGCCCGGCCGACGCCTGGCGCGCCGCGGTGCTGATCTA-3'
Protein context (NP_000194.2, residues 411-431): VLDSNHTVGV[Leu421Pro]ASAHRPQGPA